The following is an entry in ClinVar:

NM_000548.5(TSC2):c.4599C>G (p.Leu1533=)

Gene: TSC2 (TSC complex subunit 2; plus strand). Cytogenetic location: 16p13.3.
Variant type: single nucleotide variant.
Coding change: c.4599C>G on transcript NM_000548.5 (MANE Select); coding-DNA position 4599, C replaced by G.
Protein change: p.Leu1533=; no amino-acid change (leucine 1533 retained).
Molecular consequence: synonymous variant. On other transcripts: non-coding transcript variant (5).
Genome position (GRCh38, 1-based): chr16:2,085,259, C>G. VCF-style: chr16-2085259-C-G. GRCh37 (hg19) VCF-style: chr16-2135260-C-G.
Other names: c.4398C>G, p.Leu1466= (NM_001077183.3); c.4530C>G, p.Leu1510= (NM_001114382.3); c.4290C>G, p.Leu1430= (NM_001318827.2); c.4254C>G, p.Leu1418= (NM_001318829.2); c.3867C>G, p.Leu1289= (NM_001318831.2); c.4431C>G, p.Leu1477= (NM_001318832.2); c.4401C>G, p.Leu1467= (NM_001363528.2); c.4467C>G, p.Leu1489= (NM_001370404.1); and 26 more.
Identifiers: ClinVar variation 4071199 (VCV004071199.3).

ClinVar aggregate classification (germline): Benign/Likely benign. Review status: criteria provided, multiple submitters, no conflicts (2 of 4 stars). 3 submissions from 3 submitters: Benign (1); Likely benign (2). Last evaluated 2026-03-01.

Conditions:
Tuberous sclerosis 2 (TSC2). Identifiers: Orphanet 805, MedGen C1860707, MONDO:0013199, OMIM 613254.
Hereditary cancer-predisposing syndrome. Also called: Neoplastic Syndromes, Hereditary; Tumor predisposition; Hereditary neoplastic syndrome; Hereditary Cancer Syndrome. Identifiers: Orphanet 140162, MedGen C0027672, MeSH D009386, MONDO:0015356.
Tuberous sclerosis syndrome (TSC). Also called: Tuberous Sclerosis Complex; Tuberous sclerosis. Identifiers: Orphanet 805, MedGen C0041341, MONDO:0001734.

Submissions (3):

Ambry Genetics
Classification: Likely benign for Hereditary cancer-predisposing syndrome. Last evaluated: 2026-03-01. Review status: criteria provided, single submitter. Criteria: Ambry Variant Classification Scheme 2023. Collection method: clinical testing. Allele origin: germline.

Color Diagnostics, LLC DBA Color Health
Classification: Likely benign for Tuberous sclerosis syndrome. Last evaluated: 2025-07-14. Review status: criteria provided, single submitter. Criteria: ACMG Guidelines, 2015. Collection method: clinical testing. Allele origin: germline.

Myriad Genetics, Inc.
Classification: Benign for Tuberous sclerosis 2. Last evaluated: 2025-06-04. Review status: criteria provided, single submitter. Criteria: Myriad Autosomal Dominant, Autosomal Recessive and X-Linked Classification Criteria (2023). Collection method: clinical testing. Allele origin: unknown.
Comment: This variant is considered benign. This variant is a silent/synonymous amino acid change and it is not expected to impact splicing.